The following is an entry in ClinVar:

NM_000062.3(SERPING1):c.1162A>T (p.Met388Leu)

Gene: SERPING1 (serpin family G member 1; plus strand). Cytogenetic location: 11q12.1.
Variant type: single nucleotide variant.
Coding change: c.1162A>T on transcript NM_000062.3 (MANE Select); coding-DNA position 1162, A replaced by T.
Protein change: p.Met388Leu; replaces methionine 388 with leucine.
Molecular consequence: missense variant.
Genome position (GRCh38, 1-based): chr11:57,611,849, A>T. VCF-style: chr11-57611849-A-T. GRCh37 (hg19) VCF-style: chr11-57379322-A-T.
Other names: c.1162A>T, p.Met388Leu (NM_001032295.2); short protein forms M388L.
Identifiers: ClinVar variation 1737133 (VCV001737133.2), dbSNP rs1945479693, ClinGen allele CA380703074.
Genomic context (GRCh38, chr11:57,611,849, plus strand): 5'-GAAGACATGGAACAGGCTCTCAGCCCTTCTGTTTTCAAGGCCATCATGGAGAAACTGGAG[A>T]TGTCCAAGTTCCAGCCCACTCTCCTAACACTACCCCGCATCAAAGTGACGACCAGCCAGG-3'
Protein context (NP_000053.2, residues 378-398): VFKAIMEKLE[Met388Leu]SKFQPTLLTL

ClinVar aggregate classification (germline): Uncertain significance (1 of 4 stars; one submission).

Conditions:
Inborn genetic diseases. Identifiers: MedGen C0950123, MeSH D030342.

Allele frequency attached by ClinVar (database versions not stated): TOPMed below 0.00001; gnomAD exomes 0.00001.
gnomAD v4.1: 13 of 1,614,124 alleles (0.00081%); highest among the groups gnomAD compares: Non-Finnish European, 0.0011%; no homozygotes.

Submission:

Ambry Genetics
Classification: Uncertain significance for Inborn genetic diseases. Last evaluated: 2021-06-22. Review status: criteria provided, single submitter. Criteria: Ambry Variant Classification Scheme 2023. Collection method: clinical testing. Allele origin: germline.
Comment: The p.M388L variant (also known as c.1162A>T), located in coding exon 6 of the SERPING1 gene, results from an A to T substitution at nucleotide position 1162. The methionine at codon 388 is replaced by leucine, an amino acid with highly similar properties. This amino acid position is conserved. In addition, this alteration is predicted to be tolerated by in silico analysis. Since supporting evidence is limited at this time, the clinical significance of this alteration remains unclear.